The following is an entry in ClinVar:

NM_002185.5(IL7R):c.565A>G (p.Thr189Ala)

Gene: IL7R (interleukin 7 receptor; plus strand). Cytogenetic location: 5p13.2.
Variant type: single nucleotide variant.
Coding change: c.565A>G on transcript NM_002185.5 (MANE Select); coding-DNA position 565, A replaced by G.
Protein change: p.Thr189Ala; replaces threonine 189 with alanine.
Molecular consequence: missense variant.
Genome position (GRCh38, 1-based): chr5:35,873,507, A>G. VCF-style: chr5-35873507-A-G. GRCh37 (hg19) VCF-style: chr5-35873609-A-G.
Other names: short protein forms T189A.
Identifiers: ClinVar variation 1439252 (VCV001439252.6), dbSNP rs2149903315, ClinGen allele CA359430590.

ClinVar aggregate classification (germline): Uncertain significance (1 of 4 stars; one submission).

Conditions:
Immunodeficiency 104. Also called: Severe Combined Immune Deficiency, Autosomal Recessive, TCell -Negative, B Cell-Positive, NK Cell-Positive, IL7R-Related; Severe combined immunodeficiency, autosomal recessive, T cell-negative, B cell-positive, NK cell-positive; IMMUNODEFICIENCY 104, SEVERE COMBINED; SCID, AUTOSOMAL RECESSIVE, T CELL-NEGATIVE, B CELL-POSITIVE, NK CELL-POSITIVE. Identifiers: MedGen C5676890, MONDO:0012163, OMIM 608971.

Submission:

Labcorp Genetics (formerly Invitae), Labcorp
Classification: Uncertain significance for Immunodeficiency 104. Last evaluated: 2022-08-31. Review status: criteria provided, single submitter. Criteria: Invitae Variant Classification Sherloc (09022015). Collection method: clinical testing. Allele origin: germline.
Comment: This sequence change replaces threonine, which is neutral and polar, with alanine, which is neutral and non-polar, at codon 189 of the IL7R protein (p.Thr189Ala). This variant is not present in population databases (gnomAD no frequency). This variant has not been reported in the literature in individuals affected with IL7R-related conditions. ClinVar contains an entry for this variant (Variation ID: 1439252). Advanced modeling of protein sequence and biophysical properties (such as structural, functional, and spatial information, amino acid conservation, physicochemical variation, residue mobility, and thermodynamic stability) performed at Invitae indicates that this missense variant is expected to disrupt IL7R protein function. In summary, the available evidence is currently insufficient to determine the role of this variant in disease. Therefore, it has been classified as a Variant of Uncertain Significance.